The following is an entry in ClinVar:

NM_014140.4(SMARCAL1):c.1402G>C (p.Ala468Pro)

Gene: SMARCAL1 (SNF2 related chromatin remodeling annealing helicase 1; plus strand). Cytogenetic location: 2q35.
Variant type: single nucleotide variant.
Coding change: c.1402G>C on transcript NM_014140.4 (MANE Select); coding-DNA position 1402, G replaced by C.
Protein change: p.Ala468Pro; replaces alanine 468 with proline.
Molecular consequence: missense variant.
Genome position (GRCh38, 1-based): chr2:216,432,785, G>C. VCF-style: chr2-216432785-G-C. GRCh37 (hg19) VCF-style: chr2-217297508-G-C.
Other names: c.1402G>C, p.Ala468Pro (NM_001127207.2); short protein forms A468P.
Identifiers: ClinVar variation 940133 (VCV000940133.10), dbSNP rs1693994454, ClinGen allele CA350500109.

ClinVar aggregate classification (germline): Likely pathogenic. Review status: criteria provided, multiple submitters, no conflicts (2 of 4 stars). 2 submissions from 2 submitters: Likely pathogenic (2). Last evaluated 2025-02-13.

Conditions:
Schimke immuno-osseous dysplasia (SIOD). Also called: Schimke Immunoosseous Dysplasia. Identifiers: Orphanet 1830, MedGen C0877024, MONDO:0009458, OMIM 242900.

Allele frequency attached by ClinVar (database versions not stated): gnomAD exomes below 0.00001; TOPMed 0.00001.
gnomAD v4.1: 1 of 1,614,230 alleles (0.000062%); highest among the groups gnomAD compares: Non-Finnish European, 0.000085%; no homozygotes.

Submissions (2):

Natera, Inc.
Classification: Likely pathogenic for Schimke immuno-osseous dysplasia. Last evaluated: 2025-02-13. Review status: criteria provided, single submitter. Criteria: Natera Variant Classification Schema (03/2026). Collection method: clinical testing. Allele origin: germline.
Comment: The c.1402G>C variant in SMARCAL1 is a missense variant predicted to cause substitution of alanine to proline at amino acid 468. This variant is rare in the general population with a frequency below the threshold expected for the associated phenotype(s). This variant has been observed in one or more individuals affected with the associated recessive disease, as either homozygous or compound heterozygous with a second variant (PMID: 11799392, 17195070). This variant has been identified in one or more affected individuals with a phenotype highly consistent with the associated gene (PMID: 11799392, 17195070). Computational prediction algorithms indicate this variant is likely to affect gene or protein function. Given the available evidence, this variant is classified as Likely Pathogenic.

Labcorp Genetics (formerly Invitae), Labcorp
Classification: Likely pathogenic for Schimke immuno-osseous dysplasia. Last evaluated: 2019-08-11. Review status: criteria provided, single submitter. Criteria: Invitae Variant Classification Sherloc (09022015). Collection method: clinical testing. Allele origin: germline.
Comment: In summary, the currently available evidence indicates that the variant is pathogenic, but additional data are needed to prove that conclusively. Therefore, this variant has been classified as Likely Pathogenic. This variant has been reported to affect SMARCAL1 protein function (PMID: 18805831, 26195148). This variant has been observed in individuals affected with Schimke immuno-osseous dysplasia (PMID: 11799392, 22998683). This variant is not present in population databases (ExAC no frequency). This sequence change replaces alanine with proline at codon 468 of the SMARCAL1 protein (p.Ala468Pro). The alanine residue is highly conserved and there is a small physicochemical difference between alanine and proline.

Literature cited by the submitters: PubMed 11799392 (cited by Natera, Inc. and Labcorp Genetics (formerly Invitae), Labcorp); PubMed 17195070 (cited by Natera, Inc.); PubMed 18805831 (cited by Labcorp Genetics (formerly Invitae), Labcorp); PubMed 26195148 (cited by Labcorp Genetics (formerly Invitae), Labcorp); PubMed 22998683 (cited by Labcorp Genetics (formerly Invitae), Labcorp).